The following is an entry in ClinVar:

NC_000003.11:g.(?_69987065)_(69997137_?)del

Gene: MITF (melanocyte inducing transcription factor; plus strand). Cytogenetic location: 3p13.
Variant type: Deletion.
Identifiers: ClinVar variation 2422632 (VCV002422632.4).

ClinVar aggregate classification (germline): Likely pathogenic (1 of 4 stars; one submission).

Conditions:
Melanoma, cutaneous malignant, susceptibility to, 8. Also called: Cutaneous malignant melanoma 8; MELANOMA AND RENAL CELL CARCINOMA, SUSCEPTIBILITY TO. Identifiers: Orphanet 293822, MedGen C3152204, MONDO:0013759, OMIM 614456.
Waardenburg syndrome type 2A (WS2A). Also called: WAARDENBURG SYNDROME WITHOUT DYSTOPIA CANTHORUM. Identifiers: Orphanet 3440, MedGen C1860339, MONDO:0008671, OMIM 193510.
Tietz syndrome (TADS). Also called: TIETZ ALBINISM-DEAFNESS SYNDROME; HYPOPIGMENTATION/DEAFNESS OF TIETZ; ALBINISM-DEAFNESS OF TIETZ. Identifiers: Orphanet 42665, MedGen C0391816, MONDO:0007077, OMIM 103500.

Submission:

Labcorp Genetics (formerly Invitae), Labcorp
Classification: Likely pathogenic for Melanoma, cutaneous malignant, susceptibility to, 8; Waardenburg syndrome type 2A; Tietz syndrome. Last evaluated: 2022-08-31. Review status: criteria provided, single submitter. Criteria: Invitae Variant Classification Sherloc (09022015). Collection method: clinical testing. Allele origin: germline.
Comment: In summary, the currently available evidence indicates that the variant is pathogenic, but additional data are needed to prove that conclusively. Therefore, this variant has been classified as Likely Pathogenic. This variant disrupts a region of the MITF protein in which other variant(s) (p.Ala111Val) have been observed in individuals with MITF-related conditions (PMID: 24194866, 31427586). This suggests that this is a clinically significant region of the protein, and that variants that disrupt it are likely to be disease-causing. This variant has not been reported in the literature in individuals affected with MITF-related conditions. This variant results in the deletion of part of exon 2 and exons 3-4 (c.126_442-1065del) of the MITF gene. It is expected to disrupt RNA splicing. Variants that disrupt the donor or acceptor splice site typically lead to a loss of protein function (PMID: 16199547), and loss-of-function variants in MITF are known to be pathogenic (PMID: 8659547, 20127975).

Literature cited by the submitters: PubMed 24194866; PubMed 31427586; PubMed 16199547; PubMed 8659547; PubMed 20127975.